The following is an entry in ClinVar:

NM_022786.3(ARV1):c.283A>C (p.Thr95Pro)

Gene: ARV1 (ARV1 homolog, fatty acid homeostasis modulator; plus strand). Cytogenetic location: 1q42.2.
Variant type: single nucleotide variant.
Coding change: c.283A>C on transcript NM_022786.3 (MANE Select); coding-DNA position 283, A replaced by C.
Protein change: p.Thr95Pro; replaces threonine 95 with proline.
Molecular consequence: missense variant. On other transcripts: non-coding transcript variant (1).
Genome position (GRCh38, 1-based): chr1:230,988,428, A>C. VCF-style: chr1-230988428-A-C. GRCh37 (hg19) VCF-style: chr1-231124174-A-C.
Other names: c.283A>C, p.Thr95Pro (NM_001346992.2); short protein forms T95P.
Identifiers: ClinVar variation 3354785 (VCV003354785.1).

ClinVar aggregate classification (germline): Uncertain significance (0 of 4 stars; one submission).

Conditions:
ARV1-related disorder. Also called: ARV1-related condition. Identifiers: MedGen CN235539.

gnomAD v4.1: 40 of 1,553,076 alleles (0.0026%); highest among the groups gnomAD compares: African/African-American, 0.04%; no homozygotes.

Submission:

PreventionGenetics, part of Exact Sciences
Classification: Uncertain significance for ARV1-related condition. Last evaluated: 2024-03-15. Review status: no assertion criteria provided. Collection method: clinical testing. Allele origin: germline.
Comment: The ARV1 c.283A>C variant is predicted to result in the amino acid substitution p.Thr95Pro. To our knowledge, this variant has not been reported in the literature. This variant is reported in 0.034% of alleles in individuals of African descent in gnomAD. At this time, the clinical significance of this variant is uncertain due to the absence of conclusive functional and genetic evidence.